The following is an entry in ClinVar:

ClinVar aggregate classification (germline): Uncertain significance (1 of 4 stars; one submission).

Conditions:
Spondyloenchondrodysplasia with immune dysregulation (SPENCDI). Also called: SPONDYLOENCHONDRODYSPLASIA WITH OR WITHOUT IMMUNE DYSREGULATION; COMBINED IMMUNODEFICIENCY WITH AUTOIMMUNITY AND SPONDYLOMETAPHYSEAL DYSPLASIA; ROIFMAN IMMUNOSKELETAL SYNDROME. Identifiers: Orphanet 1855, MedGen C1842763, MONDO:0011939, OMIM 607944.

Allele frequency attached by ClinVar (database versions not stated): gnomAD exomes below 0.00001; gnomAD 0.00001; TOPMed 0.00001.
gnomAD v4.1: 9 of 1,613,990 alleles (0.00056%); highest among the groups gnomAD compares: Middle Eastern, 0.033%; no homozygotes.

Submission:

Labcorp Genetics (formerly Invitae), Labcorp
Classification: Uncertain significance for Spondyloenchondrodysplasia with immune dysregulation. Last evaluated: 2024-10-24. Review status: criteria provided, single submitter. Criteria: Invitae Variant Classification Sherloc (09022015). Collection method: clinical testing. Allele origin: germline.
Comment: This sequence change replaces arginine, which is basic and polar, with cysteine, which is neutral and slightly polar, at codon 100 of the ACP5 protein (p.Arg100Cys). This variant is present in population databases (no rsID available, gnomAD 0.003%). This variant has not been reported in the literature in individuals affected with ACP5-related conditions. ClinVar contains an entry for this variant (Variation ID: 1982816). Invitae Evidence Modeling of protein sequence and biophysical properties (such as structural, functional, and spatial information, amino acid conservation, physicochemical variation, residue mobility, and thermodynamic stability) has been performed for this missense variant. However, the output from this modeling did not meet the statistical confidence thresholds required to predict the impact of this variant on ACP5 protein function. In summary, the available evidence is currently insufficient to determine the role of this variant in disease. Therefore, it has been classified as a Variant of Uncertain Significance.

NM_001611.5(ACP5):c.298C>T (p.Arg100Cys)

Gene: ACP5 (acid phosphatase 5, tartrate resistant; minus strand). Cytogenetic location: 19p13.2.
Variant type: single nucleotide variant.
Coding change: c.298C>T on transcript NM_001611.5 (MANE Select); coding-DNA position 298, C replaced by T.
Protein change: p.Arg100Cys; replaces arginine 100 with cysteine.
Molecular consequence: missense variant.
Genome position (GRCh38, 1-based): chr19:11,576,807, G>A on the plus strand (C>T on the coding strand, the complement: ACP5 is on the minus strand). VCF-style: chr19-11576807-G-A. GRCh37 (hg19) VCF-style: chr19-11687622-G-A.
Other names: c.298C>T, p.Arg100Cys (NM_001111034.3, NM_001111035.3, NM_001111036.3 and 1 more transcripts); short protein forms R100C.
Identifiers: ClinVar variation 1982816 (VCV001982816.3), dbSNP rs1325584323, ClinGen allele CA404148305.